The following is an entry in ClinVar:

ClinVar aggregate classification (germline): Likely benign (1 of 4 stars; one submission).

Conditions:
NCOA1-related disorder. Also called: NCOA1-related condition.

gnomAD v4.1: 13 of 1,614,046 alleles (0.00081%); highest among the groups gnomAD compares: Non-Finnish European, 0.00085%; no homozygotes.

Submission:

PreventionGenetics, part of Exact Sciences
Classification: Likely benign for NCOA1-related condition. Last evaluated: 2025-04-02. Review status: criteria provided, single submitter. Criteria: ACMG Guidelines, 2015. Collection method: clinical testing. Allele origin: germline.
Comment: This variant is classified as likely benign based on ACMG/AMP sequence variant interpretation guidelines (Richards et al. 2015 PMID: 25741868, with internal and published modifications).

NM_003743.5(NCOA1):c.2460G>A (p.Thr820=)

Gene: NCOA1 (nuclear receptor coactivator 1; plus strand). Cytogenetic location: 2p23.3.
Variant type: single nucleotide variant.
Coding change: c.2460G>A on transcript NM_003743.5 (MANE Select); coding-DNA position 2460, G replaced by A.
Protein change: p.Thr820=; no amino-acid change (threonine 820 retained).
Molecular consequence: synonymous variant.
Genome position (GRCh38, 1-based): chr2:24,710,972, G>A. VCF-style: chr2-24710972-G-A. GRCh37 (hg19) VCF-style: chr2-24933841-G-A.
Other names: c.2460G>A, p.Thr820= (NM_001362950.1, NM_001362952.1, NM_001362954.1 and 3 more transcripts).
Identifiers: ClinVar variation 4979383 (VCV004979383.1).